The following is an entry in ClinVar:

NM_001754.5(RUNX1):c.969G>C (p.Thr323=)

Gene: RUNX1 (RUNX family transcription factor 1; minus strand). Cytogenetic location: 21q22.12.
Variant type: single nucleotide variant.
Coding change: c.969G>C on transcript NM_001754.5 (MANE Select); coding-DNA position 969, G replaced by C.
Protein change: p.Thr323=; no amino-acid change (threonine 323 retained).
Molecular consequence: synonymous variant.
Genome position (GRCh38, 1-based): chr21:34,792,609, C>G on the plus strand (G>C on the coding strand, the complement: RUNX1 is on the minus strand). VCF-style: chr21-34792609-C-G. GRCh37 (hg19) VCF-style: chr21-36164906-C-G.
Other names: NM_001754.5(RUNX1):c.969G>C; p.Thr323=; c.888G>C, p.Thr296= (NM_001001890.3).
Identifiers: ClinVar variation 788123 (VCV000788123.11), dbSNP rs768331461, ClinGen allele CA10014231.

ClinVar aggregate classification (germline): Likely benign. Review status: reviewed by expert panel (3 of 4 stars). 3 submissions from 3 submitters: Likely benign (1). 2 of the submissions do not count toward it. Last evaluated 2024-06-24.

Conditions:
Inborn genetic diseases. Identifiers: MedGen C0950123, MeSH D030342.
Hereditary thrombocytopenia and hematological cancer predisposition syndrome associated with RUNX1. Also called: PLATELET DISORDER, ASPIRIN-LIKE; Familial Platelet Disorder with Propensity to Acute Myelogenous Leukemia; Familial thrombocytopenia with propensity to acute myelogenous leukemia; RUNX1 Familial Platelet Disorder with Associated Myeloid Malignancies. Identifiers: Orphanet 71290, MedGen C1832388, MeSH C563324, MONDO:0100083, OMIM 601399.
Hereditary thrombocytopenia and hematologic cancer predisposition syndrome. Identifiers: Orphanet 71290, MedGen CN281654, MONDO:0011071.

Allele frequency attached by ClinVar (database versions not stated): TOPMed 0.00001; ExAC 0.00003.
gnomAD v4.1: 9 of 1,582,552 alleles (0.00057%); highest among the groups gnomAD compares: Admixed American, 0.0018%; no homozygotes.

Submissions (3):

ClinGen Myeloid Malignancy Variant Curation Expert Panel
Classification: Likely benign for Hereditary thrombocytopenia and hematologic cancer predisposition syndrome. Last evaluated: 2024-06-24. Review status: reviewed by expert panel. Criteria: ClinGen MyeloMalig ACMG Specifications v2. Collection method: curation. Allele origin: germline. Inheritance: Autosomal dominant inheritance.
Comment: This is a synonymous variant, therefore REVEL is not calculable. SpliceAI predicts: Acceptor loss 0.00, donor loss 0.00, acceptor gain 0.00, donor gain 0.00 (BP4). SpliceAI predicts: Acceptor loss 0.00, donor loss 0.00, acceptor gain 0.00, donor gain 0.00. Evolutionary conservation prediction algorithms predict the site as not being conserved (PhyloP score -2.7502 < 2.0 or the variant is the reference nucleotide in one primate and/or three mammal species) (BP7). In summary, this variant meets criteria to be classified as likely benign. ACMG/AMP criteria applied, as specified by the Myeloid Malignancy Variant Curation Expert Panel for RUNX1: BP4, BP7.

Ambry Genetics
Classification: Likely benign for Inborn genetic diseases. Last evaluated: 2025-02-03. Review status: criteria provided, single submitter. Criteria: Ambry Variant Classification Scheme 2023. Collection method: clinical testing. Allele origin: germline. Not counted in ClinVar's aggregate classification.

Labcorp Genetics (formerly Invitae), Labcorp
Classification: Likely benign for Hereditary thrombocytopenia and hematological cancer predisposition syndrome associated with RUNX1. Last evaluated: 2024-07-30. Review status: criteria provided, single submitter. Criteria: Invitae Variant Classification Sherloc (09022015). Collection method: clinical testing. Allele origin: germline. Not counted in ClinVar's aggregate classification.